The following is an entry in ClinVar:

NM_144643.4(SCLT1):c.1385A>G (p.Asp462Gly)

Gene: SCLT1 (sodium channel and clathrin linker 1; minus strand). Cytogenetic location: 4q28.2.
Variant type: single nucleotide variant.
Coding change: c.1385A>G on transcript NM_144643.4 (MANE Select); coding-DNA position 1385, A replaced by G.
Protein change: p.Asp462Gly; replaces aspartic acid 462 with glycine.
Molecular consequence: missense variant.
Genome position (GRCh38, 1-based): chr4:128,946,061, T>C on the plus strand (A>G on the coding strand, the complement: SCLT1 is on the minus strand). VCF-style: chr4-128946061-T-C. GRCh37 (hg19) VCF-style: chr4-129867216-T-C.
Other names: c.1385A>G, p.Asp462Gly (NM_001410807.1); short protein forms D462G.
Identifiers: ClinVar variation 4993227 (VCV004993227.1).

ClinVar aggregate classification (germline): Uncertain significance (1 of 4 stars; one submission).

Conditions:
SCLT1-related disorder. Also called: SCLT1-related condition.

gnomAD v4.1: 4 of 1,611,434 alleles (0.00025%); highest among the groups gnomAD compares: South Asian, 0.0011%; no homozygotes.

Submission:

PreventionGenetics, part of Exact Sciences
Classification: Uncertain significance for SCLT1-related condition. Last evaluated: 2026-01-22. Review status: criteria provided, single submitter. Criteria: ACMG Guidelines, 2015. Collection method: clinical testing. Allele origin: germline.
Comment: The SCLT1 c.1385A>G variant is predicted to result in the amino acid substitution p.Asp462Gly. To our knowledge, this variant has not been reported in the literature. This variant is reported in 0.0033% of alleles in individuals of South Asian descent in gnomAD. At this time, the clinical significance of this variant is uncertain due to the absence of conclusive functional and genetic evidence.